The following is an entry in ClinVar:

NM_016306.6(DNAJB11):c.1013-7_1013-4del

Gene: DNAJB11 (DnaJ heat shock protein family (Hsp40) member B11; plus strand). Cytogenetic location: 3q27.3.
Variant type: Microsatellite.
Coding change: c.1013-7_1013-4del on transcript NM_016306.6 (MANE Select); 7 bases into the intron before coding-DNA position 1013 through 4 bases into the intron before coding-DNA position 1013, 4 bases deleted (TCTT; older notation c.1013-7_1013-4delTCTT).
Molecular consequence: intron variant.
Genome position (GRCh38, 1-based): chr3:186,585,337-186,585,340, TCTT deleted; deleting any 4 consecutive bases within chr3:186,585,332-186,585,340 gives the same sequence; the c. name uses the placement nearest the transcript's 3' end. VCF-style (leftmost placement, unchanged base first): chr3-186585331-ATTCT-A. GRCh37 (hg19) VCF-style: chr3-186303120-ATTCT-A.
Other names: c.737-7_737-4del (NM_001378451.1).
Identifiers: ClinVar variation 3056471 (VCV003056471.2), dbSNP rs776025383, ClinGen allele CA2744680.

ClinVar aggregate classification (germline): Likely benign (0 of 4 stars; one submission).

Conditions:
DNAJB11-related disorder. Also called: DNAJB11-related condition.

Submission:

PreventionGenetics, part of Exact Sciences
Classification: Likely benign for DNAJB11-related condition. Last evaluated: 2022-11-03. Review status: no assertion criteria provided. Collection method: clinical testing. Allele origin: germline.
Comment: This variant is classified as likely benign based on ACMG/AMP sequence variant interpretation guidelines (Richards et al. 2015 PMID: 25741868, with internal and published modifications).